The following is an entry in ClinVar:

ClinVar aggregate classification (germline): Uncertain significance. Review status: criteria provided, multiple submitters, no conflicts (2 of 4 stars). 4 submissions from 4 submitters: Uncertain significance (4). Last evaluated 2024-10-23.

Conditions:
Developmental and epileptic encephalopathy, 18 (DEE18). Also called: Early infantile epileptic encephalopathy 18. Identifiers: Orphanet 369894, MedGen C3809624, MONDO:0014201, OMIM 615476.
Inborn genetic diseases. Identifiers: MedGen C0950123, MeSH D030342.

Allele frequency attached by ClinVar (database versions not stated): TOPMed below 0.00001; gnomAD exomes 0.00001; ExAC 0.00002.
gnomAD v4.1: 9 of 1,598,472 alleles (0.00056%); highest among the groups gnomAD compares: African/African-American, 0.008%; no homozygotes.

Submissions (4):

GeneDx
Classification: Uncertain significance. Last evaluated: 2024-10-23. Review status: criteria provided, single submitter. Criteria: GeneDx Variant Classification Process June 2021. Collection method: clinical testing. Allele origin: germline. Affected: yes.
Comment: Not observed at significant frequency in large population cohorts (gnomAD); In silico analysis indicates that this missense variant does not alter protein structure/function; Has not been previously published as pathogenic or benign to our knowledge

Labcorp Genetics (formerly Invitae), Labcorp
Classification: Uncertain significance. Last evaluated: 2023-12-11. Review status: criteria provided, single submitter. Criteria: Invitae Variant Classification Sherloc (09022015). Collection method: clinical testing. Allele origin: germline.
Comment: This sequence change replaces leucine, which is neutral and non-polar, with phenylalanine, which is neutral and non-polar, at codon 347 of the SZT2 protein (p.Leu347Phe). This variant is present in population databases (rs377503040, gnomAD 0.007%). This variant has not been reported in the literature in individuals affected with SZT2-related conditions. ClinVar contains an entry for this variant (Variation ID: 1019246). Advanced modeling of protein sequence and biophysical properties (such as structural, functional, and spatial information, amino acid conservation, physicochemical variation, residue mobility, and thermodynamic stability) performed at Invitae indicates that this missense variant is not expected to disrupt SZT2 protein function with a negative predictive value of 80%. In summary, the available evidence is currently insufficient to determine the role of this variant in disease. Therefore, it has been classified as a Variant of Uncertain Significance.

Genome-Nilou Lab
Classification: Uncertain significance for Developmental and epileptic encephalopathy, 18. Last evaluated: 2023-04-11. Review status: criteria provided, single submitter. Criteria: ACMG Guidelines, 2015. Collection method: clinical testing. Allele origin: germline. Affected: no.

Ambry Genetics
Classification: Uncertain significance for Inborn genetic diseases. Last evaluated: 2017-12-15. Review status: criteria provided, single submitter. Criteria: Ambry Variant Classification Scheme 2023. Collection method: clinical testing. Allele origin: germline.
Comment: The p.L347F variant (also known as c.1039C>T), located in coding exon 8 of the SZT2 gene, results from a C to T substitution at nucleotide position 1039. The leucine at codon 347 is replaced by phenylalanine, an amino acid with highly similar properties. This amino acid position is not well conserved in available vertebrate species. In addition, this alteration is predicted to be tolerated by in silico analysis. Since supporting evidence is limited at this time, the clinical significance of this alteration remains unclear.

NM_001365999.1(SZT2):c.1039C>T (p.Leu347Phe)

Gene: SZT2 (SZT2 subunit of KICSTOR complex; plus strand). Cytogenetic location: 1p34.2.
Variant type: single nucleotide variant.
Coding change: c.1039C>T on transcript NM_001365999.1 (MANE Select); coding-DNA position 1039, C replaced by T.
Protein change: p.Leu347Phe; replaces leucine 347 with phenylalanine.
Molecular consequence: missense variant.
Genome position (GRCh38, 1-based): chr1:43,419,893, C>T. VCF-style: chr1-43419893-C-T. GRCh37 (hg19) VCF-style: chr1-43885564-C-T.
Other names: c.1039C>T, p.Leu347Phe (NM_015284.4); short protein forms L347F.
Identifiers: ClinVar variation 1019246 (VCV001019246.11), dbSNP rs377503040, ClinGen allele CA808316.